The following is an entry in ClinVar:

ClinVar aggregate classification (germline): Uncertain significance. Review status: criteria provided, multiple submitters, no conflicts (2 of 4 stars). 2 submissions from 2 submitters: Uncertain significance (2). Last evaluated 2025-09-10.

Conditions:
Hypertrichotic osteochondrodysplasia Cantu type. Also called: Cantú Syndrome; Cantu Syndrome. Identifiers: Orphanet 1517, MedGen C0795905, MONDO:0009406, OMIM 239850.

gnomAD v4.1: 9 of 1,613,514 alleles (0.00056%); highest among the groups gnomAD compares: Admixed American, 0.0033%; no homozygotes.

Submissions (2):

Genomic Medicine Center of Excellence, King Faisal Specialist Hospital and Research Centre
Classification: Uncertain significance for Hypertrichotic osteochondrodysplasia Cantu type. Last evaluated: 2025-09-10. Review status: criteria provided, single submitter. Criteria: ACMG Guidelines, 2015. Collection method: clinical testing. Allele origin: germline.

GeneDx
Classification: Uncertain significance. Last evaluated: 2024-05-15. Review status: criteria provided, single submitter. Criteria: GeneDx Variant Classification Process June 2021. Collection method: clinical testing. Allele origin: germline. Affected: yes.
Comment: Not observed at significant frequency in large population cohorts (gnomAD); In silico analysis supports that this missense variant has a deleterious effect on protein structure/function; Has not been previously published as pathogenic or benign to our knowledge

NM_020297.4(ABCC9):c.4319C>T (p.Ala1440Val)

Genes: KCNJ8-AS1 (KCNJ8 antisense RNA 1; plus strand), ABCC9 (ATP binding cassette subfamily C member 9; minus strand). Cytogenetic location: 12p12.1.
Variant type: single nucleotide variant.
Coding change: c.4319C>T on transcript NM_020297.4 (MANE Select); coding-DNA position 4319, C replaced by T.
Protein change: p.Ala1440Val; replaces alanine 1440 with valine.
Molecular consequence: missense variant.
Genome position (GRCh38, 1-based): chr12:21,807,476, G>A on the plus strand (C>T on the coding strand, the complement: ABCC9 is on the minus strand). VCF-style: chr12-21807476-G-A. GRCh37 (hg19) VCF-style: chr12-21960410-G-A.
Other names: c.4319C>T, p.Ala1440Val (NM_001377273.1, NM_005691.4); c.3452C>T, p.Ala1151Val (NM_001377274.1); short protein forms A1151V, A1440V.
Identifiers: ClinVar variation 3377845 (VCV003377845.2).
Genomic context (GRCh38, chr12:21,807,476, plus strand): 5'-GCAAGGCAAAATAGCTGTCTCTGTCCAACGCTAAAATTCTCCCCACCTTCAGTGACAACC[G>A]CATCTAAATCAGAGAAAGAAGCAAGGATTTCACTAAAGAAATGCTACTAACATTTACCTT-3'
Protein context (NP_064693.2, residues 1430-1450): MVKSLPGGLD[Ala1440Val]VVTEGGENFS